The following is an entry in ClinVar:

NM_018136.5(ASPM):c.1364T>C (p.Val455Ala)

Gene: ASPM (assembly factor for spindle microtubules; minus strand). Cytogenetic location: 1q31.3.
Variant type: single nucleotide variant.
Coding change: c.1364T>C on transcript NM_018136.5 (MANE Select); coding-DNA position 1364, T replaced by C.
Protein change: p.Val455Ala; replaces valine 455 with alanine.
Molecular consequence: missense variant.
Genome position (GRCh38, 1-based): chr1:197,142,888, A>G on the plus strand (T>C on the coding strand, the complement: ASPM is on the minus strand). VCF-style: chr1-197142888-A-G. GRCh37 (hg19) VCF-style: chr1-197112018-A-G.
Other names: c.1364T>C, p.Val455Ala (NM_001206846.2); short protein forms V455A.
Identifiers: ClinVar variation 2012550 (VCV002012550.4), dbSNP rs1446922157, ClinGen allele CA344016613.

ClinVar aggregate classification (germline): Uncertain significance (1 of 4 stars; one submission).

Allele frequency attached by ClinVar (database versions not stated): TOPMed below 0.00001; gnomAD 0.00001.
gnomAD v4.1: 1 of 1,613,452 alleles (0.000062%); highest among the groups gnomAD compares: Non-Finnish European, 0.000085%; no homozygotes.

Submission:

Labcorp Genetics (formerly Invitae), Labcorp
Classification: Uncertain significance. Last evaluated: 2022-06-30. Review status: criteria provided, single submitter. Criteria: Invitae Variant Classification Sherloc (09022015). Collection method: clinical testing. Allele origin: germline.
Comment: This variant has not been reported in the literature in individuals affected with ASPM-related conditions. In summary, the available evidence is currently insufficient to determine the role of this variant in disease. Therefore, it has been classified as a Variant of Uncertain Significance. Algorithms developed to predict the effect of missense changes on protein structure and function (SIFT, PolyPhen-2, Align-GVGD) all suggest that this variant is likely to be tolerated. This variant is not present in population databases (gnomAD no frequency). This sequence change replaces valine, which is neutral and non-polar, with alanine, which is neutral and non-polar, at codon 455 of the ASPM protein (p.Val455Ala).